The following is an entry in ClinVar:

ClinVar aggregate classification (germline): Pathogenic (1 of 4 stars; one submission).

Conditions:
Asphyxiating thoracic dystrophy 3. Also called: SHORT-RIB THORACIC DYSPLASIA 3 WITH OR WITHOUT POLYDACTYLY; POLYDACTYLY WITH NEONATAL CHONDRODYSTROPHY, TYPE I; SHORT-RIB THORACIC DYSPLASIA 3/6 WITH POLYDACTYLY, DIGENIC; Short rib polydactyly syndrome 2B; Saldino-Noonan Syndrome. Identifiers: Orphanet 474, Orphanet 93269, Orphanet 93270, Orphanet 93271, MedGen C0036069, MONDO:0013127, OMIM 613091.

Submission:

Myriad Genetics, Inc.
Classification: Pathogenic for Asphyxiating thoracic dystrophy 3. Last evaluated: 2025-09-30. Review status: criteria provided, single submitter. Criteria: Myriad Autosomal Dominant, Autosomal Recessive and X-Linked Classification Criteria (2023). Collection method: clinical testing. Allele origin: unknown.
Comment: NM_001377.2(DYNC2H1):c.2908_2909dupAA(N970Kfs*37) is expected to be pathogenic in the context of DYNC2H1-related disorders. This variant is predicted to lead to an abnormal or absent protein product due to the creation of a premature termination codon in DYNC2H1, a gene where loss-of-function variants are known to be pathogenic. Please note: this variant was assessed in the context of healthy population screening.

NM_001377.3(DYNC2H1):c.2908_2909dup (p.Asn970fs)

Gene: DYNC2H1 (dynein cytoplasmic 2 heavy chain 1; plus strand). Cytogenetic location: 11q22.3.
Variant type: Duplication.
Coding change: c.2908_2909dup on transcript NM_001377.3 (MANE Select); coding-DNA positions 2908 to 2909, 2 bases duplicated (AA; older notation c.2908_2909dupAA).
Protein change: p.Asn970fs; shifts the reading frame from asparagine 970.
Molecular consequence: frameshift variant.
Genome position (GRCh38, 1-based): chr11:103,148,579-103,148,580, AA duplicated; duplicating any 2 consecutive bases within chr11:103,148,578-103,148,580 gives the same sequence; the c. name uses the placement nearest the transcript's 3' end. VCF-style (leftmost placement, unchanged base first): chr11-103148577-C-CAA. GRCh37 (hg19) VCF-style: chr11-103019306-C-CAA.
Other names: c.2908_2909dup, p.Asn970fs (NM_001080463.2); short protein forms N970fs.
Identifiers: ClinVar variation 5015039 (VCV005015039.1).
Genomic context (GRCh38, chr11:103,148,577, plus strand): 5'-TTACTGAGGCTATGGAAGTCTTAACAATTATGCCCCAGTCTGTGGAAGAAATTGGTGATG[C>CAA]AAATCTACAATATAGTAAGTTACAAGAACGGAAGCCAGAGGTGAGAATCACAAAGTAAAA-3'